The following is an entry in ClinVar:

ClinVar aggregate classification (germline): Uncertain significance. Review status: criteria provided, multiple submitters, no conflicts (2 of 4 stars). 2 submissions from 2 submitters: Uncertain significance (2). Last evaluated 2025-10-09.

Conditions:
TCF3-related disorder. Also called: TCF3-related condition.

Allele frequency attached by ClinVar (database versions not stated): ExAC 0.00005; gnomAD 0.00005 and 0.00004; gnomAD exomes 0.00004 and 0.00006; TOPMed 0.00004; 1000 Genomes Project 0.00020; 1000 Genomes Project 30x 0.00031.
gnomAD v4.1: 73 of 1,593,414 alleles (0.0046%); highest among the groups gnomAD compares: African/African-American, 0.0067%; no homozygotes.

Submissions (2):

Labcorp Genetics (formerly Invitae), Labcorp
Classification: Uncertain significance. Last evaluated: 2025-10-09. Review status: criteria provided, single submitter. Criteria: Invitae Variant Classification Sherloc (09022015). Collection method: clinical testing. Allele origin: germline.
Comment: This sequence change replaces aspartic acid, which is acidic and polar, with asparagine, which is neutral and polar, at codon 414 of the TCF3 protein (p.Asp414Asn). This variant is present in population databases (rs200307903, gnomAD 0.01%). This variant has not been reported in the literature in individuals affected with TCF3-related conditions. ClinVar contains an entry for this variant (Variation ID: 1416061). Invitae Evidence Modeling of protein sequence and biophysical properties (such as structural, functional, and spatial information, amino acid conservation, physicochemical variation, residue mobility, and thermodynamic stability) has been performed for this missense variant. However, the output from this modeling did not meet the statistical confidence thresholds required to predict the impact of this variant on TCF3 protein function. In summary, the available evidence is currently insufficient to determine the role of this variant in disease. Therefore, it has been classified as a Variant of Uncertain Significance.

PreventionGenetics, part of Exact Sciences
Classification: Uncertain significance for TCF3-related condition. Last evaluated: 2025-03-16. Review status: criteria provided, single submitter. Criteria: ACMG Guidelines, 2015. Collection method: clinical testing. Allele origin: germline.
Comment: The TCF3 c.1240G>A variant is predicted to result in the amino acid substitution p.Asp414Asn. To our knowledge, this variant has not been reported in the literature. This variant is reported in 0.013% of alleles in individuals of African descent in gnomAD. At this time, the clinical significance of this variant is uncertain due to the absence of conclusive functional and genetic evidence.

NM_003200.5(TCF3):c.1240G>A (p.Asp414Asn)

Gene: TCF3 (transcription factor 3; minus strand). Cytogenetic location: 19p13.3.
Variant type: single nucleotide variant.
Coding change: c.1240G>A on transcript NM_003200.5 (MANE Select); coding-DNA position 1240, G replaced by A.
Protein change: p.Asp414Asn; replaces aspartic acid 414 with asparagine.
Molecular consequence: missense variant.
Genome position (GRCh38, 1-based): chr19:1,619,402, C>T on the plus strand (G>A on the coding strand, the complement: TCF3 is on the minus strand). VCF-style: chr19-1619402-C-T. GRCh37 (hg19) VCF-style: chr19-1619401-C-T.
Other names: c.1240G>A (NM_003200.3); c.1240G>A, p.Asp414Asn (NM_001136139.4, NM_001351779.2); c.1237G>A, p.Asp413Asn (NM_001351778.2); short protein forms D413N, D414N.
Identifiers: ClinVar variation 1416061 (VCV001416061.9), dbSNP rs200307903, ClinGen allele CA9049964.